The following is an entry in ClinVar:

NC_000004.12:g.1395404A>G

Genes: CRIPAK (cysteine rich PAK1 inhibitor; plus strand), UVSSA (UV stimulated scaffold protein A; plus strand), LOC126806945 (P300/CBP strongly-dependent group 1 enhancer GRCh37_chr4:1388225-1389424; plus strand). Cytogenetic location: 4p16.3.
Variant type: single nucleotide variant.
Genome position: GRCh38 VCF-style: chr4-1395404-A-G. GRCh37 (hg19) VCF-style: chr4-1389192-A-G.
Identifiers: ClinVar variation 3770530 (VCV003770530.13).

ClinVar aggregate classification (germline): Likely benign (1 of 4 stars; one submission).

Submission:

CeGaT Center for Human Genetics Tuebingen
Classification: Likely benign. Last evaluated: 2025-01-01. Review status: criteria provided, single submitter. Criteria: CeGaT Center For Human Genetics Tuebingen Variant Classification Criteria Version 2. Collection method: clinical testing. Allele origin: germline. Affected: yes. Observed: 1 variant allele.
Comment: CRIPAK: BP4, BS2